The following is an entry in ClinVar:

ClinVar aggregate classification (germline): Uncertain significance (1 of 4 stars; one submission).

gnomAD v4.1: 1 of 1,598,876 alleles (0.000063%); highest among the groups gnomAD compares: Non-Finnish European, 0.000086%; no homozygotes.

Submission:

GeneDx
Classification: Uncertain significance. Last evaluated: 2021-06-14. Review status: criteria provided, single submitter. Criteria: GeneDx Variant Classification Process June 2021. Collection method: clinical testing. Allele origin: germline. Affected: yes.
Comment: Not observed at significant frequency in large population cohorts (Lek et al., 2016); In silico analysis supports that this missense variant has a deleterious effect on protein structure/function; Has not been previously published as pathogenic or benign to our knowledge; This variant is associated with the following publications: (PMID: 27535533)

NM_173560.4(RFX6):c.1604C>A (p.Ala535Asp)

Gene: RFX6 (regulatory factor X6; plus strand). Cytogenetic location: 6q22.1.
Variant type: single nucleotide variant.
Coding change: c.1604C>A on transcript NM_173560.4 (MANE Select); coding-DNA position 1604, C replaced by A.
Protein change: p.Ala535Asp; replaces alanine 535 with aspartic acid.
Molecular consequence: missense variant.
Genome position (GRCh38, 1-based): chr6:116,924,717, C>A. VCF-style: chr6-116924717-C-A. GRCh37 (hg19) VCF-style: chr6-117245880-C-A.
Other names: short protein forms A535D.
Identifiers: ClinVar variation 1328913 (VCV001328913.2), dbSNP rs2114701294, ClinGen allele CA365434332.
Genomic context (GRCh38, chr6:116,924,717, plus strand): 5'-TCCATAAACAAGGTTCTTTTCATTTGATTCGAATGCTTCTCGATGAATACATTCTCCTGG[C>A]CATGGAGACCCAGTTTAATAATGACAAAGAGCAGGAGTTACAGAATTTATTGGACAAGTA-3'
Protein context (NP_775831.2, residues 525-545): RMLLDEYILL[Ala535Asp]METQFNNDKE